The following is an entry in ClinVar:

NM_001369268.1(ACAN):c.1243G>A (p.Glu415Lys)

Gene: ACAN (aggrecan; plus strand). Cytogenetic location: 15q26.1.
Variant type: single nucleotide variant.
Coding change: c.1243G>A on transcript NM_001369268.1 (MANE Select); coding-DNA position 1243, G replaced by A.
Protein change: p.Glu415Lys; replaces glutamic acid 415 with lysine.
Molecular consequence: missense variant.
Genome position (GRCh38, 1-based): chr15:88,845,696, G>A. VCF-style: chr15-88845696-G-A. GRCh37 (hg19) VCF-style: chr15-89388927-G-A.
Other names: c.1243G>A, p.Glu415Lys (NM_001135.4, NM_001411096.1, NM_001411097.1 and 1 more transcripts); short protein forms E415K.
Identifiers: ClinVar variation 1905752 (VCV001905752.5), dbSNP rs758892087, ClinGen allele CA7719505.

ClinVar aggregate classification (germline): Uncertain significance (1 of 4 stars; one submission).

Allele frequency attached by ClinVar (database versions not stated): ExAC 0.00002; gnomAD 0.00003; TOPMed 0.00003; gnomAD exomes 0.00004.

Submission:

Labcorp Genetics (formerly Invitae), Labcorp
Classification: Uncertain significance. Last evaluated: 2024-04-25. Review status: criteria provided, single submitter. Criteria: Invitae Variant Classification Sherloc (09022015). Collection method: clinical testing. Allele origin: germline.
Comment: This sequence change replaces glutamic acid, which is acidic and polar, with lysine, which is basic and polar, at codon 415 of the ACAN protein (p.Glu415Lys). This variant is present in population databases (rs758892087, gnomAD 0.004%). This variant has not been reported in the literature in individuals affected with ACAN-related conditions. ClinVar contains an entry for this variant (Variation ID: 1905752). Advanced modeling of protein sequence and biophysical properties (such as structural, functional, and spatial information, amino acid conservation, physicochemical variation, residue mobility, and thermodynamic stability) performed at Invitae indicates that this missense variant is not expected to disrupt ACAN protein function with a negative predictive value of 80%. In summary, the available evidence is currently insufficient to determine the role of this variant in disease. Therefore, it has been classified as a Variant of Uncertain Significance.